The following is an entry in ClinVar:

NM_001202.6(BMP4):c.373C>G (p.His125Asp)

Gene: BMP4 (bone morphogenetic protein 4; minus strand). Cytogenetic location: 14q22.2.
Variant type: single nucleotide variant.
Coding change: c.373C>G on transcript NM_001202.6 (MANE Select); coding-DNA position 373, C replaced by G.
Protein change: p.His125Asp; replaces histidine 125 with aspartic acid.
Molecular consequence: missense variant.
Genome position (GRCh38, 1-based): chr14:53,950,886, G>C on the plus strand (C>G on the coding strand, the complement: BMP4 is on the minus strand). VCF-style: chr14-53950886-G-C. GRCh37 (hg19) VCF-style: chr14-54417604-G-C.
Other names: c.514C>G, p.His172Asp (NM_001347912.1); c.184C>G, p.His62Asp (NM_001347913.2, NM_001347915.2, NM_001347917.1); c.373C>G, p.His125Asp (NM_001347914.2, NM_001347916.1, NM_130850.5 and 1 more transcripts); short protein forms H125D, H172D, H62D.
Identifiers: ClinVar variation 3749502 (VCV003749502.2).
Genomic context (GRCh38, chr14:53,950,886, plus strand): 5'-TGAGGTTAAAGAGGAAACGAAAAGCAGAGTTTTCACTGGTCCCTGGGATGTTCTCCAGAT[G>C]TTCTAGGCACAGTTAGGAAGGAAGGGGAAAAGAAAAAGCATATGAACTTTTTTCAAAGAT-3'
Protein context (NP_001193.2, residues 115-135): NTVRSFHHEE[His125Asp]LENIPGTSEN

ClinVar aggregate classification (germline): Uncertain significance (1 of 4 stars; one submission).

Conditions:
Microphthalmia with brain and digit anomalies (MCOPS6). Also called: MICROPHTHALMIA AND PITUITARY ANOMALIES; Microphthalmia, syndromic 6. Identifiers: Orphanet 139471, MedGen C1864689, MONDO:0011936, OMIM 607932.
Orofacial cleft 11 (OFC11). Also called: Orofacial cleft 11; ofc11; CLEFT LIP WITH OR WITHOUT CLEFT PALATE, NONSYNDROMIC, 11. Identifiers: MedGen C2677434, MONDO:0010906, OMIM 600625.

gnomAD v4.1: 2 of 1,601,700 alleles (0.00012%); highest among the groups gnomAD compares: Admixed American, 0.0033%; no homozygotes.

Submission:

Labcorp Genetics (formerly Invitae), Labcorp
Classification: Uncertain significance for Microphthalmia with brain and digit anomalies; Orofacial cleft 11. Last evaluated: 2024-09-23. Review status: criteria provided, single submitter. Criteria: Invitae Variant Classification Sherloc (09022015). Collection method: clinical testing. Allele origin: germline.
Comment: This sequence change replaces histidine, which is basic and polar, with aspartic acid, which is acidic and polar, at codon 125 of the BMP4 protein (p.His125Asp). This variant is not present in population databases (gnomAD no frequency). This variant has not been reported in the literature in individuals affected with BMP4-related conditions. An algorithm developed to predict the effect of missense changes on protein structure and function (PolyPhen-2) suggests that this variant is likely to be tolerated. Algorithms developed to predict the effect of sequence changes on RNA splicing suggest that this variant may create or strengthen a splice site. In summary, the available evidence is currently insufficient to determine the role of this variant in disease. Therefore, it has been classified as a Variant of Uncertain Significance.